The following is an entry in ClinVar:

NM_000059.4(BRCA2):c.631+3A>G

Gene: BRCA2 (BRCA2 DNA repair associated; plus strand). Cytogenetic location: 13q13.1.
Variant type: single nucleotide variant.
Coding change: c.631+3A>G on transcript NM_000059.4 (MANE Select); 3 bases into the intron after coding-DNA position 631, A replaced by G.
Molecular consequence: intron variant.
Genome position (GRCh38, 1-based): chr13:32,326,616, A>G. VCF-style: chr13-32326616-A-G. GRCh37 (hg19) VCF-style: chr13-32900753-A-G.
Identifiers: ClinVar variation 52054 (VCV000052054.23), dbSNP rs397507840, ClinGen allele CA023855.

ClinVar aggregate classification (germline): Pathogenic/Likely pathogenic. Review status: criteria provided, multiple submitters, no conflicts (2 of 4 stars). 8 submissions from 8 submitters: Pathogenic (1); Likely pathogenic (7). Last evaluated 2025-09-03.

Conditions:
Hereditary cancer-predisposing syndrome. Also called: Neoplastic Syndromes, Hereditary; Hereditary neoplastic syndrome; Hereditary Cancer Syndrome; Tumor predisposition. Identifiers: Orphanet 140162, MedGen C0027672, MeSH D009386, MONDO:0015356.
Hereditary breast ovarian cancer syndrome. Also called: Breast and ovarian cancer; BRCA1- and BRCA2-Associated Hereditary Breast and Ovarian Cancer; Hereditary breast and ovarian cancer syndrome (HBOC); Hereditary breast and/or ovarian cancer syndrome; Hereditary breast and ovarian cancer; Hereditary breast and ovarian cancer syndrome. Identifiers: Orphanet 145, MedGen C0677776, MeSH D061325, MONDO:0003582. Disease mechanism: loss of function.
Breast-ovarian cancer, familial, susceptibility to, 2 (BROVCA2). Also called: BRCA2 Hereditary Breast and Ovarian Cancer. Identifiers: Orphanet 145, MedGen C2675520, MONDO:0012933, OMIM 612555. Disease mechanism: loss of function.

Submissions (8):

Labcorp Genetics (formerly Invitae), Labcorp
Classification: Likely pathogenic for Hereditary breast ovarian cancer syndrome. Last evaluated: 2025-09-03. Review status: criteria provided, single submitter. Criteria: Invitae Variant Classification Sherloc (09022015). Collection method: clinical testing. Allele origin: germline.
Comment: This sequence change falls in intron 7 of the BRCA2 gene. It does not directly change the encoded amino acid sequence of the BRCA2 protein. It affects a nucleotide within the consensus splice site. This variant is not present in population databases (gnomAD no frequency). This variant has been observed in individual(s) with breast cancer (PMID: 22505045, 22762150, 38355628). ClinVar contains an entry for this variant (Variation ID: 52054). Variants that disrupt the consensus splice site are a relatively common cause of aberrant splicing (PMID: 17576681, 9536098). Studies have shown that this variant alters mRNA splicing (PMID: 30883759; internal data). In summary, the currently available evidence indicates that the variant is pathogenic, but additional data are needed to prove that conclusively. Therefore, this variant has been classified as Likely Pathogenic.

Dasa
Classification: Likely pathogenic for Breast-ovarian cancer, familial, susceptibility to, 2. Last evaluated: 2025-03-12. Review status: criteria provided, single submitter. Criteria: DASA Assertion Criteria. Collection method: clinical testing. Allele origin: germline.
Comment: NM_000059.4(BRCA2):c.631+3A>G is a splice-region variant predicted to affect normal RNA splicing. This variant affects a splice-region context with prior evidence supporting clinical relevance. Segregation data support an association with disease in the reported family/families (PMID: 30883759; PMID: 22505045; PMID: 22762150; PMID: 19471317). Functional evidence supports an impact on the gene or gene product (PMID: 30883759; PMID: 22505045; PMID: 22762150; PMID: 19471317). This variant has been recurrently observed in individuals with Breast-ovarian cancer, familial, susceptibility to, 2 (PMID: 30883759; PMID: 22505045; PMID: 22762150; PMID: 19471317). Also, this variant is absent from population databases. Computational evidence supports a deleterious effect. Based on the currently available evidence, this variant is classified as likely pathogenic.

Ambry Genetics
Classification: Likely pathogenic for Hereditary cancer-predisposing syndrome. Last evaluated: 2024-09-03. Review status: criteria provided, single submitter. Criteria: Ambry Variant Classification Scheme 2023. Collection method: clinical testing. Allele origin: germline.
Comment: The c.631+3A>G intronic variant results from an A to G substitution 3 nucleotides after coding exon 6 in the BRCA2 gene. This alteration has been reported as a mutation in the literature and has been used as a positive control in one study; however, justification for this classification was not provided (Caux-Moncoutier V et al. Eur. J. Hum. Genet. 2009 Nov; 17(11):1471-80; Lecarpentier J et al. Breast Cancer Res. 2012 Jul; 14(4):R99). In silico splice site analysis predicts that this alteration will weaken the native splice donor site. RNA studies have demonstrated that this alteration results in abnormal splicing in the set of samples tested (Ambry internal data, Houdayer C et al. Hum. Mutat. 2012 Aug; 33(8):1228-38). This alteration has also been reported to result in aberrant splicing in a minigene assay (Fraile-Bethencourt E et al. J Pathol, 2019 08;248:409-420). Another alteration impacting the same donor site (c.631+2T>G) has been shown to have a similar impact on splicing and has been identified in the homozygous state and in the compound heterozygous state with other pathogenic BRCA2 mutations in individuals with Fanconi anemia (Wagner JE et al. Blood. 2004 Apr;103:3226-9). Based on the majority of available evidence to date, this variant is likely to be pathogenic. However, because a variant with the same splicing profile as this variant has been identified in one or more patients with Fanconi Anemia, it may be hypomorphic and thus, carriers of this variant and their families may present with reduced risks, and not with the typical clinical characteristics of a high-risk pathogenic BRCA2 alteration. As risk estimates are unknown at this time, clinical correlation is advised.

Quest Diagnostics Nichols Institute San Juan Capistrano
Classification: Likely pathogenic. Last evaluated: 2024-06-26. Review status: criteria provided, single submitter. Criteria: Quest Diagnostics criteria. Collection method: clinical testing. Allele origin: unknown.
Comment: The BRCA2 c.631+3A>G variant has been reported in the published literature in an individual with breast cancer also carrying a pathogenic ATM variant (PMID: 38355628 (2024)), and individuals with either a personal or family history of cancer (PMID: 31853058 (2020)), 22762150 (2012), 22505045 (2012)). Functional studies demonstrated that this variant disrupted mRNA splicing resulting in a frameshift (PMID: 30883759 (2019), 22505045 (2012)). This variant has not been reported in large, multi-ethnic general populations (Genome Aggregation Database). Analysis of this variant using software algorithms for the prediction of the effect of nucleotide changes on BRCA2 mRNA splicing yielded inconclusive findings. Based on the available information, this variant is classified as likely pathogenic.

Baylor Genetics
Classification: Likely pathogenic for Breast-ovarian cancer, familial, susceptibility to, 2. Last evaluated: 2023-08-19. Review status: criteria provided, single submitter. Criteria: ACMG Guidelines, 2015. Collection method: clinical testing. Allele origin: unknown.

All of Us Research Program, National Institutes of Health
Classification: Likely pathogenic for Breast-ovarian cancer, familial, susceptibility to, 2. Last evaluated: 2023-08-15. Review status: criteria provided, single submitter. Criteria: ACMG Guidelines, 2015. Collection method: clinical testing. Allele origin: germline. Inheritance: Autosomal dominant inheritance. Observed: 1 variant allele, 1 heterozygote.
Comment: This variant causes an A to G nucleotide substitution at the +3 position of intron 7 of the BRCA2 gene. Functional RNA studies have shown that this variant causes out-of-frame skipping of exon 7, creating a frameshift and premature translation stop signal and expected to result in an absent or non-functional protein product (PMID: 22505045, 30883759). This variant has been reported in individuals with a personal or family history of breast or ovarian cancer (PMID: 22505045, DOI 10.1016/S0959-8049(20)30833-9 ). This variant has not been identified in the general population by the Genome Aggregation Database (gnomAD). Loss of BRCA2 function is a known mechanism of disease. Based on the available evidence, this variant is classified as Likely Pathogenic.

This study involves interpretation of variants in research participants for the purpose of population health screening. Participant phenotype was not available at the time of variant classification. Additional details can be found in publication PMID: 35346344, PMCID: PMC8962531

Consortium of Investigators of Modifiers of BRCA1/2 (CIMBA), c/o University of Cambridge
Classification: Pathogenic for Breast-ovarian cancer, familial, susceptibility to, 2. Last evaluated: 2015-10-02. Review status: criteria provided, single submitter. Criteria: CIMBA Mutation Classification guidelines May 2016. Collection method: clinical testing. Allele origin: germline.

Genesis Genomics
Classification: Likely pathogenic for Breast-ovarian cancer, familial, susceptibility to, 2. Review status: criteria provided, single submitter. Criteria: ACMG Guidelines, 2015. Collection method: clinical testing. Allele origin: germline. Affected: yes. Observed: 1 variant allele.

Literature cited by the submitters: PubMed 22505045 (cited by 5 submitters); PubMed 22762150 (cited by 4 submitters); PubMed 38355628 (cited by Labcorp Genetics (formerly Invitae), Labcorp and Quest Diagnostics Nichols Institute San Juan Capistrano); PubMed 17576681 (cited by Labcorp Genetics (formerly Invitae), Labcorp); PubMed 9536098 (cited by Labcorp Genetics (formerly Invitae), Labcorp); PubMed 30883759 (cited by 5 submitters); PubMed 19471317 (cited by 3 submitters); PubMed 21965345 (cited by Ambry Genetics); PubMed 23348723 (cited by Ambry Genetics and Quest Diagnostics Nichols Institute San Juan Capistrano); PubMed 35740625 (cited by Quest Diagnostics Nichols Institute San Juan Capistrano); PubMed 31853058 (cited by Quest Diagnostics Nichols Institute San Juan Capistrano).